The following is an entry in ClinVar:

ClinVar aggregate classification (germline): Uncertain significance (1 of 4 stars; one submission).

Submission:

Labcorp Genetics (formerly Invitae), Labcorp
Classification: Uncertain significance. Last evaluated: 2024-01-31. Review status: criteria provided, single submitter. Criteria: Invitae Variant Classification Sherloc (09022015). Collection method: clinical testing. Allele origin: germline.
Comment: This sequence change replaces asparagine, which is neutral and polar, with threonine, which is neutral and polar, at codon 412 of the PRPF8 protein (p.Asn412Thr). This variant is not present in population databases (gnomAD no frequency). This variant has not been reported in the literature in individuals affected with PRPF8-related conditions. ClinVar contains an entry for this variant (Variation ID: 845987). Advanced modeling of protein sequence and biophysical properties (such as structural, functional, and spatial information, amino acid conservation, physicochemical variation, residue mobility, and thermodynamic stability) has been performed at Invitae for this missense variant, however the output from this modeling did not meet the statistical confidence thresholds required to predict the impact of this variant on PRPF8 protein function. In summary, the available evidence is currently insufficient to determine the role of this variant in disease. Therefore, it has been classified as a Variant of Uncertain Significance.

NM_006445.4(PRPF8):c.1235A>C (p.Asn412Thr)

Gene: PRPF8 (pre-mRNA processing factor 8; minus strand). Cytogenetic location: 17p13.3.
Variant type: single nucleotide variant.
Coding change: c.1235A>C on transcript NM_006445.4 (MANE Select); coding-DNA position 1235, A replaced by C.
Protein change: p.Asn412Thr; replaces asparagine 412 with threonine.
Molecular consequence: missense variant.
Genome position (GRCh38, 1-based): chr17:1,679,663, T>G on the plus strand (A>C on the coding strand, the complement: PRPF8 is on the minus strand). VCF-style: chr17-1679663-T-G. GRCh37 (hg19) VCF-style: chr17-1582957-T-G.
Other names: short protein forms N412T.
Identifiers: ClinVar variation 845987 (VCV000845987.7), dbSNP rs778586970, ClinGen allele CA397563161.